The following is an entry in ClinVar:

ClinVar aggregate classification (germline): Uncertain significance (1 of 4 stars; one submission).

Submission:

GeneDx
Classification: Uncertain significance. Last evaluated: 2020-11-25. Review status: criteria provided, single submitter. Criteria: GeneDx Variant Classification Process June 2021. Collection method: clinical testing. Allele origin: germline. Affected: yes.
Comment: Not observed in large population cohorts (Lek et al., 2016); In silico analysis supports that this missense variant has a deleterious effect on protein structure/function; Has not been previously published as pathogenic or benign to our knowledge

NM_022124.6(CDH23):c.4538T>C (p.Leu1513Pro)

Gene: CDH23 (cadherin related 23; plus strand). Cytogenetic location: 10q22.1.
Variant type: single nucleotide variant.
Coding change: c.4538T>C on transcript NM_022124.6 (MANE Select); coding-DNA position 4538, T replaced by C.
Protein change: p.Leu1513Pro; replaces leucine 1513 with proline.
Molecular consequence: missense variant.
Genome position (GRCh38, 1-based): chr10:71,740,871, T>C. VCF-style: chr10-71740871-T-C. GRCh37 (hg19) VCF-style: chr10-73500628-T-C.
Other names: short protein forms L1513P.
Identifiers: ClinVar variation 1312570 (VCV001312570.2), dbSNP rs1236813363, ClinGen allele CA377160487.